The following is an entry in ClinVar:

NM_001206927.2(DNAH8):c.8747+5G>A

Gene: DNAH8 (dynein axonemal heavy chain 8; plus strand). Cytogenetic location: 6p21.2.
Variant type: single nucleotide variant.
Coding change: c.8747+5G>A on transcript NM_001206927.2 (MANE Select); 5 bases into the intron after coding-DNA position 8747, G replaced by A.
Molecular consequence: intron variant.
Genome position (GRCh38, 1-based): chr6:38,894,869, G>A. VCF-style: chr6-38894869-G-A. GRCh37 (hg19) VCF-style: chr6-38862645-G-A.
Other names: c.8096+5G>A (NM_001371.4).
Identifiers: ClinVar variation 1041720 (VCV001041720.6), dbSNP rs767171490, ClinGen allele CA3790285.

ClinVar aggregate classification (germline): Uncertain significance (1 of 4 stars; one submission).

Conditions:
Primary ciliary dyskinesia. Also called: Ciliary dyskinesia. Identifiers: Orphanet 244, MedGen C0008780, MONDO:0016575, HP:0012265.

Allele frequency attached by ClinVar (database versions not stated): TOPMed 0.00001; gnomAD exomes 0.00002 and 0.00004; gnomAD 0.00003 and 0.00004; ExAC 0.00008.
gnomAD v4.1: 38 of 1,611,250 alleles (0.0024%); highest among the groups gnomAD compares: African/African-American, 0.008%; no homozygotes.

Submission:

Labcorp Genetics (formerly Invitae), Labcorp
Classification: Uncertain significance for Primary ciliary dyskinesia. Last evaluated: 2025-08-12. Review status: criteria provided, single submitter. Criteria: Invitae Variant Classification Sherloc (09022015). Collection method: clinical testing. Allele origin: germline.
Comment: This sequence change falls in intron 59 of the DNAH8 gene. It does not directly change the encoded amino acid sequence of the DNAH8 protein. It affects a nucleotide within the consensus splice site. This variant is present in population databases (rs767171490, gnomAD 0.009%). This variant has not been reported in the literature in individuals affected with DNAH8-related conditions. ClinVar contains an entry for this variant (Variation ID: 1041720). Variants that disrupt the consensus splice site are a relatively common cause of aberrant splicing (PMID: 17576681, 9536098). Algorithms developed to predict the effect of sequence changes on RNA splicing suggest that this variant may disrupt the consensus splice site. In summary, the available evidence is currently insufficient to determine the role of this variant in disease. Therefore, it has been classified as a Variant of Uncertain Significance.

Literature cited by the submitters: PubMed 17576681; PubMed 9536098.